The following is an entry in ClinVar:

ClinVar aggregate classification (germline): Uncertain significance (1 of 4 stars; one submission).

Conditions:
Atrial standstill 1 (ATRST1). Also called: Atrial standstill, digenic (GJA5/SCN5A); ATRIAL CARDIOMYOPATHY WITH HEART BLOCK; CARDIOMYOPATHY, FAMILIAL, WITH CONDUCTION DISTURBANCE. Identifiers: Orphanet 1344, MedGen C4551959, MONDO:0007171, OMIM 108770.
Atrial fibrillation, familial, 11 (ATFB11). Identifiers: MedGen C3279693, MONDO:0013544, OMIM 614049.

Allele frequency attached by ClinVar (database versions not stated): TOPMed below 0.00001; gnomAD 0.00001.
gnomAD v4.1: 14 of 1,614,042 alleles (0.00087%); highest among the groups gnomAD compares: East Asian, 0.031%; no homozygotes.

Submission:

Labcorp Genetics (formerly Invitae), Labcorp
Classification: Uncertain significance for Atrial fibrillation, familial, 11; Atrial standstill 1. Last evaluated: 2025-11-12. Review status: criteria provided, single submitter. Criteria: Invitae Variant Classification Sherloc (09022015). Collection method: clinical testing. Allele origin: germline.
Comment: This sequence change replaces glutamine, which is neutral and polar, with histidine, which is basic and polar, at codon 314 of the GJA5 protein (p.Gln314His). This variant is present in population databases (rs782450132, gnomAD 0.006%). This variant has not been reported in the literature in individuals affected with GJA5-related conditions. ClinVar contains an entry for this variant (Variation ID: 2934586). An algorithm developed to predict the effect of missense changes on protein structure and function outputs the following: PolyPhen-2: "Benign". The histidine amino acid residue is found in multiple mammalian species, which suggests that this missense change does not adversely affect protein function. In summary, the available evidence is currently insufficient to determine the role of this variant in disease. Therefore, it has been classified as a Variant of Uncertain Significance.

NM_181703.4(GJA5):c.942G>T (p.Gln314His)

Gene: GJA5 (gap junction protein alpha 5; minus strand). Cytogenetic location: 1q21.2.
Variant type: single nucleotide variant.
Coding change: c.942G>T on transcript NM_181703.4 (MANE Select); coding-DNA position 942, G replaced by T.
Protein change: p.Gln314His; replaces glutamine 314 with histidine.
Molecular consequence: missense variant.
Genome position (GRCh38, 1-based): chr1:147,758,297, C>A on the plus strand (G>T on the coding strand, the complement: GJA5 is on the minus strand). VCF-style: chr1-147758297-C-A. GRCh37 (hg19) VCF-style: chr1-147230405-C-A.
Other names: c.942G>T, p.Gln314His (NM_005266.7); short protein forms Q314H.
Identifiers: ClinVar variation 2934586 (VCV002934586.3), dbSNP rs782450132, ClinGen allele CA1065674.